The following is an entry in ClinVar:

NM_005655.4(KLF10):c.766T>G (p.Leu256Val)

Gene: KLF10 (KLF transcription factor 10; minus strand). Cytogenetic location: 8q22.3.
Variant type: single nucleotide variant.
Coding change: c.766T>G on transcript NM_005655.4 (MANE Select); coding-DNA position 766, T replaced by G.
Protein change: p.Leu256Val; replaces leucine 256 with valine.
Molecular consequence: missense variant.
Genome position (GRCh38, 1-based): chr8:102,651,566, A>C on the plus strand (T>G on the coding strand, the complement: KLF10 is on the minus strand). VCF-style: chr8-102651566-A-C. GRCh37 (hg19) VCF-style: chr8-103663794-A-C.
Other names: c.733T>G, p.Leu245Val (NM_001032282.4); short protein forms L245V, L256V.
Identifiers: ClinVar variation 4749298 (VCV004749298.1).

ClinVar aggregate classification (germline): Uncertain significance (1 of 4 stars; one submission).

Submission:

Labcorp Genetics (formerly Invitae), Labcorp
Classification: Uncertain significance. Last evaluated: 2026-01-21. Review status: criteria provided, single submitter. Criteria: Invitae Variant Classification Sherloc (09022015). Collection method: clinical testing. Allele origin: germline.
Comment: This sequence change replaces leucine, which is neutral and non-polar, with valine, which is neutral and non-polar, at codon 256 of the KLF10 protein (p.Leu256Val). This variant is not present in population databases (gnomAD no frequency). This variant has not been reported in the literature in individuals affected with KLF10-related conditions. An algorithm developed to predict the effect of missense changes on protein structure and function outputs the following: PolyPhen-2: "Benign". The valine amino acid residue is found in multiple mammalian species, which suggests that this missense change does not adversely affect protein function. In summary, the available evidence is currently insufficient to determine the role of this variant in disease. Therefore, it has been classified as a Variant of Uncertain Significance.